The following is an entry in ClinVar:

ClinVar aggregate classification (germline): Pathogenic/Likely pathogenic. Review status: criteria provided, multiple submitters, no conflicts (2 of 4 stars). 2 submissions from 2 submitters: Pathogenic (1); Likely pathogenic (1). Last evaluated 2025-11-05.

Conditions:
Hereditary cancer-predisposing syndrome. Also called: Neoplastic Syndromes, Hereditary; Hereditary Cancer Syndrome; Hereditary neoplastic syndrome; Tumor predisposition. Identifiers: Orphanet 140162, MedGen C0027672, MeSH D009386, MONDO:0015356.

Allele frequency attached by ClinVar (database versions not stated): gnomAD exomes below 0.00001.
gnomAD v4.1: 1 of 1,613,972 alleles (0.000062%); highest among the groups gnomAD compares: South Asian, 0.0011%; no homozygotes.

Submissions (2):

Labcorp Genetics (formerly Invitae), Labcorp
Classification: Pathogenic. Last evaluated: 2025-11-05. Review status: criteria provided, single submitter. Criteria: Invitae Variant Classification Sherloc (09022015). Collection method: clinical testing. Allele origin: germline.
Comment: This sequence change replaces arginine, which is basic and polar, with glutamine, which is neutral and polar, at codon 51 of the FH protein (p.Arg51Gln). This variant is not present in population databases (gnomAD no frequency). This missense change has been observed in individual(s) with autosomal recessive fumarate hydratase deficiency or autosomal dominant hereditary leiomyomatosis and renal cell cancer (PMID: 25004247; internal data). In at least one individual the data is consistent with being in trans (on the opposite chromosome) from a pathogenic variant. ClinVar contains an entry for this variant (Variation ID: 1459781). Invitae Evidence Modeling of protein sequence and biophysical properties (such as structural, functional, and spatial information, amino acid conservation, physicochemical variation, residue mobility, and thermodynamic stability) indicates that this missense variant is expected to disrupt FH protein function with a positive predictive value of 95%. For these reasons, this variant has been classified as Pathogenic.

Ambry Genetics
Classification: Likely pathogenic for Hereditary cancer-predisposing syndrome. Last evaluated: 2025-07-15. Review status: criteria provided, single submitter. Criteria: Ambry Variant Classification Scheme 2023. Collection method: clinical testing. Allele origin: germline.
Comment: The p.R51Q variant (also known as c.152G>A), located in coding exon 2 of the FH gene, results from a G to A substitution at nucleotide position 152. The arginine at codon 51 is replaced by glutamine, an amino acid with highly similar properties. This alteration has been observed in at least one individual with a personal and/or family history that is consistent with FH-related disease (Ambry internal data). Based on internal structural analysis, p.R51Q is mildly destabilizing to the local structure (Ambry internal data, Ajalla Aleixo MA et al. FEBS J, 2019 05;286:1925-1940). This variant is considered to be rare based on population cohorts in the Genome Aggregation Database (gnomAD). This amino acid position is highly conserved in available vertebrate species. In addition, this alteration is predicted to be deleterious by in silico analysis. Based on the majority of available evidence to date, this variant is likely to be pathogenic.

Literature cited by the submitters: PubMed 25004247 (cited by Labcorp Genetics (formerly Invitae), Labcorp); PubMed 30761759 (cited by Ambry Genetics).

NM_000143.4(FH):c.152G>A (p.Arg51Gln)

Gene: FH (fumarate hydratase; minus strand). Cytogenetic location: 1q43.
Variant type: single nucleotide variant.
Coding change: c.152G>A on transcript NM_000143.4 (MANE Select); coding-DNA position 152, G replaced by A.
Protein change: p.Arg51Gln; replaces arginine 51 with glutamine.
Molecular consequence: missense variant.
Genome position (GRCh38, 1-based): chr1:241,517,297, C>T on the plus strand (G>A on the coding strand, the complement: FH is on the minus strand). VCF-style: chr1-241517297-C-T. GRCh37 (hg19) VCF-style: chr1-241680597-C-T.
Other names: short protein forms R51Q.
Identifiers: ClinVar variation 1459781 (VCV001459781.12), dbSNP rs976734433, ClinGen allele CA40336041.
Genomic context (GRCh38, chr1:241,517,297, plus strand): 5'-TGGGCGCCATAATACTTATCATTTGGCACCTTTAGTTCACCAAAGGTATCATATTCTATC[C>T]GGAAGGAATTTTGGCTTGCCTAAAGACAAGAATACAACACTATTACAAGTTGAAAAGAAA-3'
Protein context (NP_000134.2, residues 41-61): AARMASQNSF[Arg51Gln]IEYDTFGELK